The following is an entry in ClinVar:

NM_000053.4(ATP7B):c.3243+4C>T

Gene: ATP7B (ATPase copper transporting beta; minus strand). Cytogenetic location: 13q14.3.
Variant type: single nucleotide variant.
Coding change: c.3243+4C>T on transcript NM_000053.4 (MANE Select); 4 bases into the intron after coding-DNA position 3243, C replaced by T.
Molecular consequence: intron variant.
Genome position (GRCh38, 1-based): chr13:51,944,105, G>A on the plus strand (C>T on the coding strand, the complement: ATP7B is on the minus strand). VCF-style: chr13-51944105-G-A. GRCh37 (hg19) VCF-style: chr13-52518241-G-A.
Other names: c.2910+4C>T (NM_001243182.2); c.2622+4C>T (NM_001005918.3); c.2991+4C>T (NM_001330579.2); c.3009+4C>T (NM_001330578.2).
Identifiers: ClinVar variation 871586 (VCV000871586.16), dbSNP rs779783859, ClinGen allele CA6988775.

ClinVar aggregate classification (germline): Uncertain significance. Review status: criteria provided, multiple submitters, no conflicts (2 of 4 stars). 2 submissions from 2 submitters: Uncertain significance (2). Last evaluated 2025-10-16.

Conditions:
Wilson disease (WND). Also called: Wilson's disease. Identifiers: Orphanet 905, MedGen C0019202, MONDO:0010200, OMIM 277900. Disease mechanism: loss of function.

Allele frequency attached by ClinVar (database versions not stated): gnomAD 0.00001; gnomAD exomes 0.00002 and 0.00003; ExAC 0.00003; TOPMed 0.00003.
gnomAD v4.1: 38 of 1,613,904 alleles (0.0024%); highest among the groups gnomAD compares: South Asian, 0.02%; no homozygotes.

Submissions (2):

Color Diagnostics, LLC DBA Color Health
Classification: Uncertain significance for Wilson disease. Last evaluated: 2025-10-16. Review status: criteria provided, single submitter. Criteria: ACMG Guidelines, 2015. Collection method: clinical testing. Allele origin: germline.
Comment: This variant causes a C to T nucleotide substitution at the +4 position of intron 14 of the ATP7B gene. To our knowledge, RNA studies have not been reported for this variant. This variant has not been reported in individuals affected with Wilson disease in the literature. This variant has been identified in 5/248926 chromosomes in the general population by the Genome Aggregation Database (gnomAD). The available evidence is insufficient to determine the role of this variant in disease conclusively. Therefore, this variant is classified as a Variant of Uncertain Significance.

Labcorp Genetics (formerly Invitae), Labcorp
Classification: Uncertain significance for Wilson disease. Last evaluated: 2022-05-17. Review status: criteria provided, single submitter. Criteria: Invitae Variant Classification Sherloc (09022015). Collection method: clinical testing. Allele origin: germline.
Comment: This sequence change falls in intron 14 of the ATP7B gene. It does not directly change the encoded amino acid sequence of the ATP7B protein. It affects a nucleotide within the consensus splice site. This variant is present in population databases (rs779783859, gnomAD 0.02%). This variant has not been reported in the literature in individuals affected with ATP7B-related conditions. ClinVar contains an entry for this variant (Variation ID: 871586). Variants that disrupt the consensus splice site are a relatively common cause of aberrant splicing (PMID: 17576681, 9536098). Algorithms developed to predict the effect of sequence changes on RNA splicing suggest that this variant is not likely to affect RNA splicing. In summary, the available evidence is currently insufficient to determine the role of this variant in disease. Therefore, it has been classified as a Variant of Uncertain Significance.

Literature cited by the submitters: PubMed 17576681 (cited by Labcorp Genetics (formerly Invitae), Labcorp); PubMed 9536098 (cited by Labcorp Genetics (formerly Invitae), Labcorp).